The following is an entry in ClinVar:

ClinVar aggregate classification (germline): Uncertain significance. Review status: criteria provided, multiple submitters, no conflicts (2 of 4 stars). 3 submissions from 3 submitters: Uncertain significance (3). Last evaluated 2024-06-26.

Conditions:
Inborn genetic diseases. Identifiers: MedGen C0950123, MeSH D030342.
Clark-Baraitser syndrome. Also called: Intellectual disability, autosomal dominant 49; MENTAL RETARDATION, AUTOSOMAL DOMINANT 49; BARAITSER SYNDROME; Mental retardation, tall stature, obesity, macrocephaly and typical facial features. Identifiers: Orphanet 600731, MedGen C2931130, MONDO:0030914, OMIM 617752.

Allele frequency attached by ClinVar (database versions not stated): gnomAD exomes below 0.00001; gnomAD 0.00001; TOPMed 0.00004.
gnomAD v4.1: 4 of 1,609,402 alleles (0.00025%); highest among the groups gnomAD compares: Admixed American, 0.0033%; no homozygotes.

Submissions (3):

Ambry Genetics
Classification: Uncertain significance for Inborn genetic diseases. Last evaluated: 2024-06-26. Review status: criteria provided, single submitter. Criteria: Ambry Variant Classification Scheme 2023. Collection method: clinical testing. Allele origin: germline.

GeneDx
Classification: Uncertain significance. Last evaluated: 2023-03-24. Review status: criteria provided, single submitter. Criteria: GeneDx Variant Classification Process June 2021. Collection method: clinical testing. Allele origin: germline. Affected: yes.
Comment: Not observed at significant frequency in large population cohorts (gnomAD); In silico analysis supports that this missense variant has a deleterious effect on protein structure/function; Has not been previously published as pathogenic or benign to our knowledge

Mendelics
Classification: Uncertain significance for Clark-Baraitser syndrome. Last evaluated: 2019-05-28. Review status: criteria provided, single submitter. Criteria: Mendelics Assertion Criteria 2017. Collection method: clinical testing. Allele origin: unknown.

NM_001348323.3(TRIP12):c.983A>C (p.Glu328Ala)

Gene: TRIP12 (thyroid hormone receptor interactor 12; minus strand). Cytogenetic location: 2q36.3.
Variant type: single nucleotide variant.
Coding change: c.983A>C on transcript NM_001348323.3 (MANE Select); coding-DNA position 983, A replaced by C.
Protein change: p.Glu328Ala; replaces glutamic acid 328 with alanine.
Molecular consequence: missense variant. On other transcripts: intron variant (1).
Genome position (GRCh38, 1-based): chr2:229,858,816, T>G on the plus strand (A>C on the coding strand, the complement: TRIP12 is on the minus strand). VCF-style: chr2-229858816-T-G. GRCh37 (hg19) VCF-style: chr2-230723532-T-G.
Other names: c.983A>C, p.Glu328Ala (NM_001284214.2, NM_001348315.2, NM_001348319.1 and 13 more transcripts); c.857A>C, p.Glu286Ala (NM_001284215.2, NM_001348316.2, NM_001348317.1 and 3 more transcripts); c.896A>C, p.Glu299Ala (NM_001348332.1, NM_001348334.1); c.98+21166A>C (NM_001284216.2); c.857A>C (NM_004238.2, NM_004238.1); short protein forms E299A, E328A, E286A.
Identifiers: ClinVar variation 801908 (VCV000801908.3), dbSNP rs986636922, ClinGen allele CA66715443.